The following is an entry in ClinVar:

ClinVar aggregate classification (germline): Uncertain significance (1 of 4 stars; one submission).

Conditions:
Hereditary cancer-predisposing syndrome. Also called: Neoplastic Syndromes, Hereditary; Tumor predisposition; Hereditary neoplastic syndrome; Hereditary Cancer Syndrome. Identifiers: Orphanet 140162, MedGen C0027672, MeSH D009386, MONDO:0015356.

Submission:

Ambry Genetics
Classification: Uncertain significance for Hereditary cancer-predisposing syndrome. Last evaluated: 2025-12-07. Review status: criteria provided, single submitter. Criteria: Ambry Variant Classification Scheme 2023. Collection method: clinical testing. Allele origin: germline.
Comment: The p.I1267N variant (also known as c.3800T>A), located in coding exon 25 of the RAD50 gene, results from a T to A substitution at nucleotide position 3800. The isoleucine at codon 1267 is replaced by asparagine, an amino acid with dissimilar properties. This amino acid position is highly conserved in available vertebrate species. In addition, this alteration is predicted to be deleterious by in silico analysis. Since supporting evidence is limited at this time, the clinical significance of this alteration remains unclear.

NM_005732.4(RAD50):c.3800T>A (p.Ile1267Asn)

Genes: TH2LCRR (T helper type 2 locus control region associated RNA; minus strand), RAD50 (RAD50 double strand break repair protein; plus strand). Cytogenetic location: 5q31.1.
Variant type: single nucleotide variant.
Coding change: c.3800T>A on transcript NM_005732.4 (MANE Select); coding-DNA position 3800, T replaced by A.
Protein change: p.Ile1267Asn; replaces isoleucine 1267 with asparagine.
Molecular consequence: missense variant. On other transcripts: non-coding transcript variant (1).
Genome position (GRCh38, 1-based): chr5:132,642,225, T>A. VCF-style: chr5-132642225-T-A. GRCh37 (hg19) VCF-style: chr5-131977917-T-A.
Other names: short protein forms I1267N.
Identifiers: ClinVar variation 824237 (VCV000824237.5), dbSNP rs1581025004, ClinGen allele CA360936390.
Genomic context (GRCh38, chr5:132,642,225, plus strand): 5'-TATATTGTTGCAGGATAATAAAAAGTCGCTCACAGCAGCGTAACTTCCAGCTTCTGGTAA[T>A]CACTCATGATGAAGATTTTGTGGAGCTTTTAGGACGTTCTGAATATGTGGAGAAATTCTA-3'
Protein context (NP_005723.2, residues 1257-1277): SQQRNFQLLV[Ile1267Asn]THDEDFVELL